The following is an entry in ClinVar:

ClinVar aggregate classification (germline): Benign. Review status: criteria provided, multiple submitters, no conflicts (2 of 4 stars). 5 submissions from 5 submitters: Benign (4). 1 of the submissions does not count toward it. Last evaluated 2026-02-03.

Conditions:
Early-infantile DEE. Also called: Early infantile epileptic encephalopathy; Ohtahara syndrome; Early infantile epileptic encephalopathy with suppression bursts. Identifiers: Orphanet 1934, MedGen C0393706, MONDO:0800491.
Developmental and epileptic encephalopathy, 5 (DEE5). Identifiers: Orphanet 3451, MedGen C3150731, MONDO:0013277, OMIM 613477.

Allele frequency attached by ClinVar (database versions not stated): 1000 Genomes Project 0.02097; 1000 Genomes Project 30x 0.02155; gnomAD 0.02463; TOPMed 0.02622; ESP Exome Variant Server 0.02660.
gnomAD v4.1: 6,947 of 1,613,888 alleles (0.43%); highest among the groups gnomAD compares: African/African-American, 8.2%; 252 homozygotes.

Submissions (5):

Labcorp Genetics (formerly Invitae), Labcorp
Classification: Benign for Early-infantile DEE. Last evaluated: 2026-02-03. Review status: criteria provided, single submitter. Criteria: Invitae Variant Classification Sherloc (09022015). Collection method: clinical testing. Allele origin: germline.

Genome-Nilou Lab
Classification: Benign for Developmental and epileptic encephalopathy, 5. Last evaluated: 2021-07-15. Review status: criteria provided, single submitter. Criteria: ACMG Guidelines, 2015. Collection method: clinical testing. Allele origin: germline. Affected: no.

GeneDx
Classification: Benign. Last evaluated: 2012-05-14. Review status: criteria provided, single submitter. Criteria: GeneDx Variant Classification (06012015). Collection method: clinical testing. Allele origin: germline. Affected: yes.
Comment: This variant is considered likely benign or benign based on one or more of the following criteria: it is a conservative change, it occurs at a poorly conserved position in the protein, it is predicted to be benign by multiple in silico algorithms, and/or has population frequency not consistent with disease.

Breakthrough Genomics
Classification: Benign. Review status: criteria provided, single submitter. Criteria: ACMG Guidelines, 2015. Collection method: not provided. Allele origin: germline. Inheritance: Autosomal dominant inheritance. Affected: yes.

Genetic Services Laboratory, University of Chicago
Classification: Likely benign. Review status: no assertion criteria provided. Collection method: clinical testing. Allele origin: germline. Inheritance: Autosomal dominant inheritance. Not counted in ClinVar's aggregate classification.
Comment: Likely benign based on allele frequency in 1000 Genomes Project or ESP global frequency and its presence in a patient with a rare or unrelated disease phenotype. NOT Sanger confirmed

NM_001130438.3(SPTAN1):c.1221+11C>T

Gene: SPTAN1 (spectrin alpha, non-erythrocytic 1; plus strand). Cytogenetic location: 9q34.11.
Variant type: single nucleotide variant.
Coding change: c.1221+11C>T on transcript NM_001130438.3 (MANE Select); 11 bases into the intron after coding-DNA position 1221, C replaced by T.
Molecular consequence: intron variant.
Genome position (GRCh38, 1-based): chr9:128,578,256, C>T. VCF-style: chr9-128578256-C-T. GRCh37 (hg19) VCF-style: chr9-131340535-C-T.
Other names: c.1221+11C>T (NM_001363759.2, NM_003127.4, NM_001363765.2 and 1 more transcripts).
Identifiers: ClinVar variation 139268 (VCV000139268.16), dbSNP rs113357847, ClinGen allele CA295174.